The following is an entry in ClinVar:

NM_001379291.1(BRD4):c.26C>A (p.Thr9Lys)

Gene: BRD4 (bromodomain containing 4; minus strand). Cytogenetic location: 19p13.12.
Variant type: single nucleotide variant.
Coding change: c.26C>A on transcript NM_001379291.1 (MANE Select); coding-DNA position 26, C replaced by A.
Protein change: p.Thr9Lys; replaces threonine 9 with lysine.
Molecular consequence: missense variant.
Genome position (GRCh38, 1-based): chr19:15,273,074, G>T on the plus strand (C>A on the coding strand, the complement: BRD4 is on the minus strand). VCF-style: chr19-15273074-G-T. GRCh37 (hg19) VCF-style: chr19-15383885-G-T.
Other names: c.26C>A, p.Thr9Lys (NM_001330384.2, NM_001379292.1, NM_014299.3 and 1 more transcripts); c.26C>A (NM_058243.2); short protein forms T9K.
Identifiers: ClinVar variation 2892633 (VCV002892633.4), dbSNP rs921948175, ClinGen allele CA305783300.

ClinVar aggregate classification (germline): Uncertain significance. Review status: criteria provided, multiple submitters, no conflicts (2 of 4 stars). 2 submissions from 2 submitters: Uncertain significance (2). Last evaluated 2025-09-28.

Conditions:
Inborn genetic diseases. Identifiers: MedGen C0950123, MeSH D030342.

Allele frequency attached by ClinVar (database versions not stated): TOPMed 0.00003; gnomAD 0.00001.
gnomAD v4.1: 6 of 1,605,190 alleles (0.00037%); highest among the groups gnomAD compares: African/African-American, 0.008%; no homozygotes.

Submissions (2):

Ambry Genetics
Classification: Uncertain significance for Inborn genetic diseases. Last evaluated: 2025-09-28. Review status: criteria provided, single submitter. Criteria: Ambry Variant Classification Scheme 2023. Collection method: clinical testing. Allele origin: germline.

Labcorp Genetics (formerly Invitae), Labcorp
Classification: Uncertain significance. Last evaluated: 2025-07-18. Review status: criteria provided, single submitter. Criteria: Invitae Variant Classification Sherloc (09022015). Collection method: clinical testing. Allele origin: germline.
Comment: This sequence change replaces threonine, which is neutral and polar, with lysine, which is basic and polar, at codon 9 of the BRD4 protein (p.Thr9Lys). This variant is present in population databases (no rsID available, gnomAD 0.007%). This variant has not been reported in the literature in individuals affected with BRD4-related conditions. ClinVar contains an entry for this variant (Variation ID: 2892633). Experimental studies and prediction algorithms are not available or were not evaluated, and the functional significance of this variant is currently unknown. In summary, the available evidence is currently insufficient to determine the role of this variant in disease. Therefore, it has been classified as a Variant of Uncertain Significance.